The following is an entry in ClinVar:

ClinVar aggregate classification (germline): Uncertain significance. Review status: criteria provided, multiple submitters, no conflicts (2 of 4 stars). 3 submissions from 3 submitters: Uncertain significance (3). Last evaluated 2025-08-06.

Conditions:
Distal myopathy with posterior leg and anterior hand involvement. Also called: WILLIAMS DISTAL MYOPATHY. Identifiers: Orphanet 63273, MedGen C3279722, MONDO:0013550, OMIM 614065.
Hypertrophic cardiomyopathy 26. Also called: Cardiomyopathy, familial hypertrophic, 26. Identifiers: Orphanet 75249, MedGen C4310749, MONDO:0014883, OMIM 617047.
Myofibrillar myopathy 5. Also called: Filaminopathy (type); FILAMINOPATHY, AUTOSOMAL DOMINANT. Identifiers: Orphanet 171445, MedGen C1836050, MONDO:0012289, OMIM 609524.
Cardiomyopathy (CMYO). Also called: Cardiomyopathies. Identifiers: Orphanet 167848, MedGen C0878544, MONDO:0004994, HP:0001638. Inheritance: Various modes of inheritance.

Submissions (3):

GeneDx
Classification: Uncertain significance. Last evaluated: 2025-08-06. Review status: criteria provided, single submitter. Criteria: GeneDx Variant Classification Process June 2021. Collection method: clinical testing. Allele origin: germline. Affected: yes.
Comment: Not observed at significant frequency in large population cohorts (gnomAD); In silico analysis supports that this missense variant has a deleterious effect on protein structure/function; Has not been previously published as pathogenic or benign to our knowledge

Labcorp Genetics (formerly Invitae), Labcorp
Classification: Uncertain significance for Distal myopathy with posterior leg and anterior hand involvement; Myofibrillar myopathy 5; Hypertrophic cardiomyopathy 26. Last evaluated: 2023-10-13. Review status: criteria provided, single submitter. Criteria: Invitae Variant Classification Sherloc (09022015). Collection method: clinical testing. Allele origin: germline.
Comment: This sequence change replaces tyrosine, which is neutral and polar, with cysteine, which is neutral and slightly polar, at codon 1230 of the FLNC protein (p.Tyr1230Cys). This variant is not present in population databases (gnomAD no frequency). This variant has not been reported in the literature in individuals affected with FLNC-related conditions. ClinVar contains an entry for this variant (Variation ID: 217489). Advanced modeling of protein sequence and biophysical properties (such as structural, functional, and spatial information, amino acid conservation, physicochemical variation, residue mobility, and thermodynamic stability) has been performed at Invitae for this missense variant, however the output from this modeling did not meet the statistical confidence thresholds required to predict the impact of this variant on FLNC protein function. Algorithms developed to predict the effect of sequence changes on RNA splicing suggest that this variant may disrupt the consensus splice site. In summary, the available evidence is currently insufficient to determine the role of this variant in disease. Therefore, it has been classified as a Variant of Uncertain Significance.

Laboratory of Genetics and Molecular Cardiology, University of São Paulo
Classification: Uncertain significance for Cardiomyopathy. Review status: criteria provided, single submitter. Criteria: LGCM Criteria August 2015. Collection method: clinical testing. Allele origin: germline. Affected: yes. Observed: 1 variant allele. Study: Sarcomeric Human Cardiomyopathy Registry (ShaRe).

NM_001458.5(FLNC):c.3689A>G (p.Tyr1230Cys)

Gene: FLNC (filamin C; plus strand). Cytogenetic location: 7q32.1.
Variant type: single nucleotide variant.
Coding change: c.3689A>G on transcript NM_001458.5 (MANE Select); coding-DNA position 3689, A replaced by G.
Protein change: p.Tyr1230Cys; replaces tyrosine 1230 with cysteine.
Molecular consequence: missense variant.
Genome position (GRCh38, 1-based): chr7:128,845,154, A>G. VCF-style: chr7-128845154-A-G. GRCh37 (hg19) VCF-style: chr7-128485208-A-G.
Other names: c.3689A>G, p.Tyr1230Cys (NM_001127487.2); short protein forms Y1230C.
Identifiers: ClinVar variation 217489 (VCV000217489.8), dbSNP rs863225116, ClinGen allele CA339606.